The following is an entry in ClinVar:

NM_001394894.2(NLRP11):c.1841+73A>G

Gene: NLRP11 (NLR family pyrin domain containing 11; minus strand). Cytogenetic location: 19q13.43.
Variant type: single nucleotide variant.
Coding change: c.1841+73A>G on transcript NM_001394894.2 (MANE Select); 73 bases into the intron after coding-DNA position 1841, A replaced by G.
Molecular consequence: intron variant.
Genome position (GRCh38, 1-based): chr19:55,808,696, T>C on the plus strand (A>G on the coding strand, the complement: NLRP11 is on the minus strand). VCF-style: chr19-55808696-T-C. GRCh37 (hg19) VCF-style: chr19-56320062-T-C.
Other names: c.1544+73A>G (NM_001297743.3); c.1841+73A>G (NM_001385451.2, NM_001385453.2, NM_145007.5).
Identifiers: ClinVar variation 103270 (VCV000103270.3), dbSNP rs199476235, ClinGen allele CA230346.
Genomic context (GRCh38, chr19:55,808,696, plus strand): 5'-GGTCTAATTAGAAGCTAGATTGGAAGTCAAGTTCTTCATGGCCCCGAGTTTGTCTTGTTC[T>C]GGTCAACAAGCTCTAGAATTATGGGCAGGTCTTAGGAAGACAGGAAAGAGGATTTATTTT-3'

ClinVar aggregate classification (germline): not provided (0 of 4 stars; one submission).

Allele frequency attached by ClinVar (database versions not stated): gnomAD 0.00043; TOPMed 0.00050; gnomAD exomes 0.00090.
gnomAD v4.1: 1,164 of 1,400,114 alleles (0.083%); highest among the groups gnomAD compares: Non-Finnish European, 0.11%; no homozygotes.

Submission:

Human Evolutionary Genetics, Institut Pasteur
No classification provided. Review status: no classification provided. Collection method: not provided. Allele origin: germline.
ClinVar note: Converted during submission from untested to not provided.